The following is an entry in ClinVar:

NM_006876.3(B4GAT1):c.117G>A (p.Gln39=)

Gene: B4GAT1 (beta-1,4-glucuronyltransferase 1; minus strand). Cytogenetic location: 11q13.2.
Variant type: single nucleotide variant.
Coding change: c.117G>A on transcript NM_006876.3 (MANE Select); coding-DNA position 117, G replaced by A.
Protein change: p.Gln39=; no amino-acid change (glutamine 39 retained).
Molecular consequence: synonymous variant.
Genome position (GRCh38, 1-based): chr11:66,347,429, C>T on the plus strand (G>A on the coding strand, the complement: B4GAT1 is on the minus strand). VCF-style: chr11-66347429-C-T. GRCh37 (hg19) VCF-style: chr11-66114900-C-T.
Other names: p.Gln39=.
Identifiers: ClinVar variation 260057 (VCV000260057.12), dbSNP rs11537930, ClinGen allele CA6120603.

ClinVar aggregate classification (germline): Benign. Review status: criteria provided, multiple submitters, no conflicts (2 of 4 stars). 5 submissions from 5 submitters: Benign (5). Last evaluated 2026-02-04.

Conditions:
Muscular dystrophy-dystroglycanopathy (congenital with brain and eye anomalies), type A13. Also called: WALKER-WARBURG SYNDROME OR MUSCLE-EYE-BRAIN DISEASE, B3GNT1-RELATED; Muscular dystrophy-dystroglycanopathy (congenital with brain and eye anomalies), type a, 13. Identifiers: Orphanet 899, MedGen C3809042, MONDO:0014120, OMIM 615287.

Allele frequency attached by ClinVar (database versions not stated): gnomAD exomes 0.08719 and 0.09556; gnomAD 0.12326 and 0.12566; ESP Exome Variant Server 0.12602; TOPMed 0.13225; 1000 Genomes Project 0.13938; 1000 Genomes Project 30x 0.14163; ExAC 0.17220.
gnomAD v4.1: 143,120 of 1,573,756 alleles (9.1%); highest among the groups gnomAD compares: African/African-American, 23%; 7,658 homozygotes.

Submissions (5):

Labcorp Genetics (formerly Invitae), Labcorp
Classification: Benign for Muscular dystrophy-dystroglycanopathy (congenital with brain and eye anomalies), type A13. Last evaluated: 2026-02-04. Review status: criteria provided, single submitter. Criteria: Invitae Variant Classification Sherloc (09022015). Collection method: clinical testing. Allele origin: germline.

Mayo Clinic Laboratories, Mayo Clinic
Classification: Benign. Last evaluated: 2018-12-31. Review status: criteria provided, single submitter. Criteria: ACMG Guidelines, 2015. Collection method: clinical testing. Allele origin: germline. Observed: 148 variant alleles.

GeneDx
Classification: Benign. Last evaluated: 2016-01-20. Review status: criteria provided, single submitter. Criteria: GeneDx Variant Classification (06012015). Collection method: clinical testing. Allele origin: germline. Affected: yes.
Comment: This variant is considered likely benign or benign based on one or more of the following criteria: it is a conservative change, it occurs at a poorly conserved position in the protein, it is predicted to be benign by multiple in silico algorithms, and/or has population frequency not consistent with disease.

Breakthrough Genomics
Classification: Benign. Review status: criteria provided, single submitter. Criteria: ACMG Guidelines, 2015. Collection method: not provided. Allele origin: germline. Inheritance: Autosomal recessive inheritance. Affected: yes.

PreventionGenetics, part of Exact Sciences
Classification: Benign. Review status: criteria provided, single submitter. Criteria: ACMG Guidelines, 2015. Collection method: clinical testing. Allele origin: germline.